The following is an entry in ClinVar:

ClinVar aggregate classification (germline): Uncertain significance. Review status: criteria provided, multiple submitters, no conflicts (2 of 4 stars). 2 submissions from 2 submitters: Uncertain significance (2). Last evaluated 2022-10-30.

Conditions:
Familial sleep-related hypermotor epilepsy. Also called: Autosomal Dominant Sleep-Related Hypermotor (Hyperkinetic) Epilepsy. Identifiers: Orphanet 98784, MedGen C3696898, MONDO:0000030.
Autosomal dominant nocturnal frontal lobe epilepsy 3. Also called: CHRNB2-Related Nocturnal Frontal Lobe Epilepsy, Autosomal Dominant. Identifiers: Orphanet 98784, MedGen C1854335, MONDO:0011545, OMIM 605375.

Allele frequency attached by ClinVar (database versions not stated): gnomAD exomes below 0.00001.
gnomAD v4.1: 2 of 1,537,326 alleles (0.00013%); highest among the groups gnomAD compares: East Asian, 0.0024%; no homozygotes.

Submissions (2):

Labcorp Genetics (formerly Invitae), Labcorp
Classification: Uncertain significance. Last evaluated: 2022-10-30. Review status: criteria provided, single submitter. Criteria: Invitae Variant Classification Sherloc (09022015). Collection method: clinical testing. Allele origin: germline.
Comment: In summary, the available evidence is currently insufficient to determine the role of this variant in disease. Therefore, it has been classified as a Variant of Uncertain Significance. Advanced modeling of protein sequence and biophysical properties (such as structural, functional, and spatial information, amino acid conservation, physicochemical variation, residue mobility, and thermodynamic stability) performed at Invitae indicates that this missense variant is not expected to disrupt CHRNB2 protein function. This variant has not been reported in the literature in individuals affected with CHRNB2-related conditions. This variant is not present in population databases (gnomAD no frequency). This sequence change replaces glutamine, which is neutral and polar, with glutamic acid, which is acidic and polar, at codon 445 of the CHRNB2 protein (p.Gln445Glu).

Revvity Omics, Revvity
Classification: Uncertain significance for Autosomal dominant nocturnal frontal lobe epilepsy 3. Last evaluated: 2020-12-15. Review status: criteria provided, single submitter. Criteria: ACMG Guidelines, 2015. Collection method: clinical testing. Allele origin: germline.

NM_000748.3(CHRNB2):c.1333C>G (p.Gln445Glu)

Gene: CHRNB2 (cholinergic receptor nicotinic beta 2 subunit; plus strand). Cytogenetic location: 1q21.3.
Variant type: single nucleotide variant.
Coding change: c.1333C>G on transcript NM_000748.3 (MANE Select); coding-DNA position 1333, C replaced by G.
Protein change: p.Gln445Glu; replaces glutamine 445 with glutamic acid.
Molecular consequence: missense variant.
Genome position (GRCh38, 1-based): chr1:154,572,156, C>G. VCF-style: chr1-154572156-C-G. GRCh37 (hg19) VCF-style: chr1-154544632-C-G.
Other names: short protein forms Q445E.
Identifiers: ClinVar variation 2440037 (VCV002440037.6), dbSNP rs1290138573, ClinGen allele CA342631960.
Genomic context (GRCh38, chr1:154,572,156, plus strand): 5'-CGGGAGGCGGTGGACGGCGTGCGCTTCATCGCAGACCACATGCGGAGCGAGGACGATGAC[C>G]AGAGCGTGAGTGCCGCAGGCTGGGACCCCGGGCGTGAGATATGGGGTCTGCCAGGGCCCG-3'
Protein context (NP_000739.1, residues 435-455): ADHMRSEDDD[Gln445Glu]SVSEDWKYVA